The following is an entry in ClinVar:

ClinVar aggregate classification (germline): Likely benign (0 of 4 stars; one submission).

Conditions:
SOX2-related disorder. Also called: SOX2-related condition.

Allele frequency attached by ClinVar (database versions not stated): gnomAD exomes 0.00002; TOPMed 0.00013; gnomAD 0.00015.

Submission:

PreventionGenetics, part of Exact Sciences
Classification: Likely benign for SOX2-related condition. Last evaluated: 2019-05-06. Review status: no assertion criteria provided. Collection method: clinical testing. Allele origin: germline.
Comment: This variant is classified as likely benign based on ACMG/AMP sequence variant interpretation guidelines (Richards et al. 2015 PMID: 25741868, with internal and published modifications).

NM_003106.4(SOX2):c.210G>A (p.Glu70=)

Genes: SOX2 (SRY-box transcription factor 2; plus strand), SOX2-OT (SOX2 overlapping transcript; plus strand), LOC108281177 (SOX2 5' regulatory region; plus strand). Cytogenetic location: 3q26.33.
Variant type: single nucleotide variant.
Coding change: c.210G>A on transcript NM_003106.4 (MANE Select); coding-DNA position 210, G replaced by A.
Protein change: p.Glu70=; no amino-acid change (glutamic acid 70 retained).
Molecular consequence: synonymous variant.
Genome position (GRCh38, 1-based): chr3:181,712,570, G>A. VCF-style: chr3-181712570-G-A. GRCh37 (hg19) VCF-style: chr3-181430358-G-A.
Identifiers: ClinVar variation 3038104 (VCV003038104.2), dbSNP rs1409533266, ClinGen allele CA437335108.
Genomic context (GRCh38, chr3:181,712,570, plus strand): 5'-GTGGTCCCGCGGGCAGCGGCGCAAGATGGCCCAGGAGAACCCCAAGATGCACAACTCGGA[G>A]ATCAGCAAGCGCCTGGGCGCCGAGTGGAAACTTTTGTCGGAGACGGAGAAGCGGCCGTTC-3'
Protein context (NP_003097.1, residues 60-80): AQENPKMHNS[Glu70=]ISKRLGAEWK